The following is an entry in ClinVar:

ClinVar aggregate classification (germline): Uncertain significance (1 of 4 stars; one submission).

Conditions:
Hereditary cancer-predisposing syndrome. Also called: Neoplastic Syndromes, Hereditary; Tumor predisposition; Hereditary Cancer Syndrome; Hereditary neoplastic syndrome. Identifiers: Orphanet 140162, MedGen C0027672, MeSH D009386, MONDO:0015356.

Submission:

Ambry Genetics
Classification: Uncertain significance for Hereditary cancer-predisposing syndrome. Last evaluated: 2021-11-19. Review status: criteria provided, single submitter. Criteria: Ambry Variant Classification Scheme 2023. Collection method: clinical testing. Allele origin: germline.
Comment: The p.I2296K variant (also known as c.6887T>A), located in coding exon 11 of the BRCA2 gene, results from a T to A substitution at nucleotide position 6887. The isoleucine at codon 2296 is replaced by lysine, an amino acid with dissimilar properties. This amino acid position is not well conserved in available vertebrate species. In addition, the in silico prediction for this alteration is inconclusive. Since supporting evidence is limited at this time, the clinical significance of this alteration remains unclear.

NM_000059.4(BRCA2):c.6887T>A (p.Ile2296Lys)

Gene: BRCA2 (BRCA2 DNA repair associated; plus strand). Cytogenetic location: 13q13.1.
Variant type: single nucleotide variant.
Coding change: c.6887T>A on transcript NM_000059.4 (MANE Select); coding-DNA position 6887, T replaced by A.
Protein change: p.Ile2296Lys; replaces isoleucine 2296 with lysine.
Molecular consequence: missense variant.
Genome position (GRCh38, 1-based): chr13:32,344,603, T>A. VCF-style: chr13-32344603-T-A. GRCh37 (hg19) VCF-style: chr13-32918740-T-A.
Other names: c.6887T>A, p.Ile2296Lys (NM_001406720.1); c.1955T>A, p.Ile652Lys (NM_001406721.1); c.470T>A, p.Ile157Lys (NM_001406722.1); short protein forms I157K, I2296K, I652K.
Identifiers: ClinVar variation 1755970 (VCV001755970.2), dbSNP rs2137537106, ClinGen allele CA387792788.
Genomic context (GRCh38, chr13:32,344,603, plus strand): 5'-AATATTTCTTTTTAGGAGAACCCTCAATCAAAAGAAACTTATTAAATGAATTTGACAGGA[T>A]AATAGAAAATCAAGAAAAATCCTTAAAGGCTTCAAAAAGCACTCCAGATGGTAAAATTAG-3'
Protein context (NP_000050.3, residues 2286-2306): KRNLLNEFDR[Ile2296Lys]IENQEKSLKA